The following is an entry in ClinVar:

ClinVar aggregate classification (germline): Uncertain significance (1 of 4 stars; one submission).

Conditions:
Inborn genetic diseases. Identifiers: MedGen C0950123, MeSH D030342.

Submission:

Ambry Genetics
Classification: Uncertain significance for Inborn genetic diseases. Last evaluated: 2025-04-02. Review status: criteria provided, single submitter. Criteria: Ambry Variant Classification Scheme 2023. Collection method: clinical testing. Allele origin: germline.
Comment: The c.1282_1284delTAT (p.Y428del) alteration, located in coding exon 3 of the SETD2 gene, results from an in-frame 3 nucleotide deletion at nucleotide positions c.1282 to c.1284. This results in the deletion of a tyrosine residue at codon 428. Based on insufficient or conflicting evidence, the clinical significance of this alteration remains unclear.

NM_014159.7(SETD2):c.1279TAT[1] (p.Tyr428del)

Gene: SETD2 (SET domain containing 2, histone lysine methyltransferase; minus strand). Cytogenetic location: 3p21.31.
Variant type: Microsatellite.
Coding change: c.1279TAT[1] on transcript NM_014159.7 (MANE Select); one copy of the 3-base unit TAT starting at c.1279; the reference has two copies in a row; one copy, 3 bases deleted.
Protein change: p.Tyr428del; deletes tyrosine 428.
Molecular consequence: inframe indel (on NM_014159.6). On other transcripts: non-coding transcript variant (1).
Genome position (GRCh38, 1-based): chr3:47,123,352-47,123,354, ATA deleted on the plus strand (TAT on the coding strand, the reverse complement: SETD2 is on the minus strand); deleting any 3 consecutive bases within chr3:47,123,352-47,123,359 gives the same sequence; the position shown is the placement nearest the transcript's 3' end. VCF-style (leftmost placement, unchanged base first): chr3-47123351-CATA-C. GRCh37 (hg19) VCF-style: chr3-47164841-CATA-C.
Other names: c.1147TAT[1], p.Tyr384del (NM_001349370.3); c.1277_1279ATT[1], p.Tyr428del (NM_014159.6); c.1282_1284delTAT (NM_014159.6); short protein forms Y384del, Y428del.
Identifiers: ClinVar variation 3952840 (VCV003952840.1).